The following is an entry in ClinVar:

ClinVar aggregate classification (germline): Benign/Likely benign. Review status: criteria provided, multiple submitters, no conflicts (2 of 4 stars). 11 submissions from 11 submitters: Benign (2); Likely benign (8). 1 of the submissions does not count toward it. Last evaluated 2026-02-03.

Conditions:
Cardiovascular phenotype. Identifiers: MedGen CN230736.
Cardiomyopathy (CMYO). Also called: Cardiomyopathies. Identifiers: Orphanet 167848, MedGen C0878544, MONDO:0004994, HP:0001638. Inheritance: Various modes of inheritance.
Becker muscular dystrophy (BMD). Also called: MUSCULAR DYSTROPHY, PSEUDOHYPERTROPHIC PROGRESSIVE, BECKER TYPE; Becker Muscular Dystrophy (BMD). Identifiers: Orphanet 98895, MedGen C0917713, MONDO:0010311, OMIM 300376.
Duchenne muscular dystrophy (DMD). Also called: Duchenne Muscular Dystrophy (DMD); MUSCULAR DYSTROPHY, PSEUDOHYPERTROPHIC PROGRESSIVE, DUCHENNE TYPE. Identifiers: Orphanet 98896, MedGen C0013264, MONDO:0010679, OMIM 310200.
Dystrophin deficiency.
Dilated cardiomyopathy 3B (CMD3B). Also called: CMD3B: DMD-Related Dilated Cardiomyopathy; CARDIOMYOPATHY, DILATED, X-LINKED; DMD-Associated Dilated Cardiomyopathy. Identifiers: Orphanet 154, MedGen C3668940, MONDO:0010542, OMIM 302045.

Allele frequency attached by ClinVar (database versions not stated): gnomAD exomes 0.00010 and 0.00028; ExAC 0.00031; TOPMed 0.00096; 1000 Genomes Project 30x 0.00104; 1000 Genomes Project 0.00106; gnomAD 0.00107 and 0.00119; ESP Exome Variant Server 0.00142.
gnomAD v4.1: 246 of 1,206,757 alleles (0.02%); highest among the groups gnomAD compares: African/African-American, 0.36%; no homozygotes.

Submissions (11):

Labcorp Genetics (formerly Invitae), Labcorp
Classification: Benign for Duchenne muscular dystrophy. Last evaluated: 2026-02-03. Review status: criteria provided, single submitter. Criteria: Invitae Variant Classification Sherloc (09022015). Collection method: clinical testing. Allele origin: germline.

Molecular Diagnostic Laboratory for Inherited Cardiovascular Disease, Montreal Heart Institute
Classification: Likely benign. Last evaluated: 2025-07-24. Review status: criteria provided, single submitter. Criteria: ACMG Guidelines, 2015. Collection method: clinical testing. Allele origin: germline. Affected: no.
Comment: BS1;BP1

Blueprint Genetics
Classification: Likely benign. Last evaluated: 2024-06-19. Review status: criteria provided, single submitter. Criteria: ACMG Guidelines, 2015. Collection method: clinical testing. Allele origin: germline.

ARUP Laboratories, Molecular Genetics and Genomics, ARUP Laboratories
Classification: Likely benign. Last evaluated: 2023-09-06. Review status: criteria provided, single submitter. Criteria: ARUP Molecular Germline Variant Investigation Process 2024. Collection method: clinical testing. Allele origin: germline.

Women's Health and Genetics/Laboratory Corporation of America, LabCorp
Classification: Likely benign. Last evaluated: 2023-08-19. Review status: criteria provided, single submitter. Criteria: LabCorp Variant Classification Summary - May 2015. Collection method: clinical testing. Allele origin: germline.

GeneDx
Classification: Benign. Last evaluated: 2020-05-27. Review status: criteria provided, single submitter. Criteria: GeneDx Variant Classification Process June 2021. Collection method: clinical testing. Allele origin: germline. Affected: yes.

Ambry Genetics
Classification: Likely benign for Cardiovascular phenotype. Last evaluated: 2018-10-03. Review status: criteria provided, single submitter. Criteria: Ambry Variant Classification Scheme 2023. Collection method: clinical testing. Allele origin: germline.

Illumina Laboratory Services, Illumina
Classification: Likely benign for Dilated cardiomyopathy 3B. Last evaluated: 2018-01-13. Review status: criteria provided, single submitter. Criteria: ICSL Variant Classification Criteria 13 December 2019. Collection method: clinical testing. Allele origin: germline.
Comment: This variant was observed in the ICSL laboratory as part of a predisposition screen in an ostensibly healthy population. It had not been previously curated by ICSL or reported in the Human Gene Mutation Database (HGMD: prior to June 1st, 2018), and was therefore a candidate for classification through an automated scoring system. Utilizing variant allele frequency, disease prevalence and penetrance estimates, and inheritance mode, an automated score was calculated to assess if this variant is too frequent to cause the disease. Based on the score and internal cut-off values, a variant classified as likely benign is not then subjected to further curation. The score for this variant resulted in a classification of likely benign for this disease.

Laboratory for Molecular Medicine, Mass General Brigham Personalized Medicine
Classification: Likely benign. Last evaluated: 2016-03-22. Review status: criteria provided, single submitter. Criteria: LMM Criteria. Collection method: clinical testing. Allele origin: germline. Observed: 1 variant allele.
Comment: p.Glu1874Lys in exon 40 of DMD: This variant is not expected to have clinical si gnificance because it has been identified in 0.3% (25/8489) of African chromosom es, including 6 hemizygotes, by the Exome Aggregation Consortium (ExAC; dbSNP rs142441725).

Eurofins Ntd Llc (ga)
Classification: Likely benign. Last evaluated: 2014-11-17. Review status: criteria provided, single submitter. Criteria: EGL Classification Definitions 2015. Collection method: clinical testing. Allele origin: germline. Observed: 1 variant allele, 1 hemizygote.

Natera, Inc.
Classification: Likely benign for Becker muscular dystrophy; Cardiomyopathy; Duchenne muscular dystrophy; Dystrophin deficiency. Last evaluated: 2020-07-24. Review status: no assertion criteria provided. Collection method: clinical testing. Allele origin: germline. Not counted in ClinVar's aggregate classification.

NM_004006.3(DMD):c.5620G>A (p.Glu1874Lys)

Gene: DMD (dystrophin; minus strand). Cytogenetic location: Xp21.1.
Variant type: single nucleotide variant.
Coding change: c.5620G>A on transcript NM_004006.3 (MANE Select); coding-DNA position 5620, G replaced by A.
Protein change: p.Glu1874Lys; replaces glutamic acid 1874 with lysine.
Molecular consequence: missense variant.
Genome position (GRCh38, 1-based): chrX:32,343,253, C>T on the plus strand (G>A on the coding strand, the complement: DMD is on the minus strand). VCF-style: chrX-32343253-C-T. GRCh37 (hg19) VCF-style: chrX-32361370-C-T.
Other names: p.E1874K:GAA>AAA; c.5596G>A, p.Glu1866Lys (NM_000109.4); c.5608G>A, p.Glu1870Lys (NM_004009.3); c.5251G>A, p.Glu1751Lys (NM_004010.3); c.1597G>A, p.Glu533Lys (NM_004011.4); c.1588G>A, p.Glu530Lys (NM_004012.4); short protein forms E1874K, E1751K, E533K, E1866K, E530K, E1870K.
Identifiers: ClinVar variation 94675 (VCV000094675.31), dbSNP rs142441725, ClinGen allele CA147834.
Genomic context (GRCh38, chrX:32,343,253, plus strand): 5'-CCAAGCATTTCAGGAGATCATCAGCCTGCCTCTTGTACTGATACCACTGATGAGAAATTT[C>T]TAGAGCCTTTTTTCTTCTTTGAGACCTCAAATCCTGTTCATGGTGCAGACATTATTAAAA-3'
Protein context (NP_003997.2, residues 1864-1884): LRSQRRKKAL[Glu1874Lys]ISHQWYQYKR